The following is an entry in ClinVar:

NM_001371727.1(GABRB2):c.1383G>A (p.Ala461=)

Gene: GABRB2 (gamma-aminobutyric acid type A receptor subunit beta2; minus strand). Cytogenetic location: 5q34.
Variant type: single nucleotide variant.
Coding change: c.1383G>A on transcript NM_001371727.1 (MANE Select); coding-DNA position 1383, G replaced by A.
Protein change: p.Ala461=; no amino-acid change (alanine 461 retained).
Molecular consequence: synonymous variant.
Genome position (GRCh38, 1-based): chr5:161,294,237, C>T on the plus strand (G>A on the coding strand, the complement: GABRB2 is on the minus strand). VCF-style: chr5-161294237-C-T. GRCh37 (hg19) VCF-style: chr5-160721244-C-T.
Other names: c.1269G>A, p.Ala423= (NM_000813.3); c.1383G>A, p.Ala461= (NM_021911.3).
Identifiers: ClinVar variation 386175 (VCV000386175.39), dbSNP rs536960677, ClinGen allele CA3543327.

ClinVar aggregate classification (germline): Likely benign. Review status: criteria provided, multiple submitters, no conflicts (2 of 4 stars). 5 submissions from 5 submitters: Likely benign (5). Last evaluated 2025-08-22.

Conditions:
Inborn genetic diseases. Identifiers: MedGen C0950123, MeSH D030342.
Intellectual disability. Also called: intellectual disabilities; Intellectual developmental disorder; Intellectual functioning disability. Identifiers: MedGen C3714756, MeSH D008607, MONDO:0001071, HP:0001249.

Allele frequency attached by ClinVar (database versions not stated): gnomAD exomes 0.00013 and 0.00005; ExAC 0.00016; 1000 Genomes Project 30x 0.00047; 1000 Genomes Project 0.00060; gnomAD 0.00004 and 0.00007; TOPMed 0.00004.
gnomAD v4.1: 93 of 1,614,136 alleles (0.0058%); highest among the groups gnomAD compares: South Asian, 0.037%; no homozygotes.

Submissions (5):

Labcorp Genetics (formerly Invitae), Labcorp
Classification: Likely benign for Intellectual disability. Last evaluated: 2025-08-22. Review status: criteria provided, single submitter. Criteria: Invitae Variant Classification Sherloc (09022015). Collection method: clinical testing. Allele origin: germline.

Blueprint Genetics
Classification: Likely benign. Last evaluated: 2024-10-24. Review status: criteria provided, single submitter. Criteria: ACMG Guidelines, 2015. Collection method: clinical testing. Allele origin: germline.

Ambry Genetics
Classification: Likely benign for Inborn genetic diseases. Last evaluated: 2024-01-17. Review status: criteria provided, single submitter. Criteria: Ambry Variant Classification Scheme 2023. Collection method: clinical testing. Allele origin: germline.

CeGaT Center for Human Genetics Tuebingen
Classification: Likely benign. Last evaluated: 2022-11-01. Review status: criteria provided, single submitter. Criteria: CeGaT Center For Human Genetics Tuebingen Variant Classification Criteria Version 2. Collection method: clinical testing. Allele origin: germline. Affected: yes. Observed: 1 variant allele.
Comment: GABRB2: BP4, BP7

GeneDx
Classification: Likely benign. Last evaluated: 2020-08-24. Review status: criteria provided, single submitter. Criteria: GeneDx Variant Classification Process June 2021. Collection method: clinical testing. Allele origin: germline. Affected: yes.